The following is an entry in ClinVar:

NM_020366.4(RPGRIP1):c.1899C>T (p.His633=)

Gene: RPGRIP1 (RPGR interacting protein 1; plus strand). Cytogenetic location: 14q11.2.
Variant type: single nucleotide variant.
Coding change: c.1899C>T on transcript NM_020366.4 (MANE Select); coding-DNA position 1899, C replaced by T.
Protein change: p.His633=; no amino-acid change (histidine 633 retained).
Molecular consequence: synonymous variant. On other transcripts: intron variant (4).
Genome position (GRCh38, 1-based): chr14:21,324,754, C>T. VCF-style: chr14-21324754-C-T. GRCh37 (hg19) VCF-style: chr14-21792913-C-T.
Other names: c.825C>T, p.His275= (NM_001377948.1); c.796+29C>T (NM_001377949.1); c.688+2750C>T (NM_001377523.1, NM_001377950.1); c.190+2750C>T (NM_001377951.1).
Identifiers: ClinVar variation 745412 (VCV000745412.10), dbSNP rs759142742, ClinGen allele CA7089117.

ClinVar aggregate classification (germline): Likely benign. Review status: criteria provided, multiple submitters, no conflicts (2 of 4 stars). 2 submissions from 2 submitters: Likely benign (2). Last evaluated 2025-09-08.

Conditions:
RPGRIP1-related disorder. Also called: RPGRIP1-related condition.
Leber congenital amaurosis 6 (LCA6). Identifiers: Orphanet 65, MedGen C1854260, MONDO:0013446, OMIM 613826.
Cone-rod dystrophy 13 (CORD13). Identifiers: Orphanet 1872, MedGen C2750720, MONDO:0011987, OMIM 608194.

Allele frequency attached by ClinVar (database versions not stated): gnomAD 0.00001; gnomAD exomes 0.00001 and 0.00005; TOPMed 0.00003; ExAC 0.00006.
gnomAD v4.1: 19 of 1,613,944 alleles (0.0012%); highest among the groups gnomAD compares: Admixed American, 0.03%; no homozygotes.

Submissions (2):

Labcorp Genetics (formerly Invitae), Labcorp
Classification: Likely benign for Leber congenital amaurosis 6; Cone-rod dystrophy 13. Last evaluated: 2025-09-08. Review status: criteria provided, single submitter. Criteria: Invitae Variant Classification Sherloc (09022015). Collection method: clinical testing. Allele origin: germline.

PreventionGenetics, part of Exact Sciences
Classification: Likely benign for RPGRIP1-related condition. Last evaluated: 2025-01-16. Review status: criteria provided, single submitter. Criteria: ACMG Guidelines, 2015. Collection method: clinical testing. Allele origin: germline.
Comment: This variant is classified as likely benign based on ACMG/AMP sequence variant interpretation guidelines (Richards et al. 2015 PMID: 25741868, with internal and published modifications).